The following is an entry in ClinVar:

ClinVar aggregate classification (germline): Uncertain significance (1 of 4 stars; one submission).

Conditions:
Hypertrophic cardiomyopathy 14. Identifiers: MedGen C2750467, MONDO:0013197, OMIM 613251.

Allele frequency attached by ClinVar (database versions not stated): gnomAD exomes 0.00001.
gnomAD v4.1: 4 of 1,614,204 alleles (0.00025%); no homozygotes.

Submission:

Labcorp Genetics (formerly Invitae), Labcorp
Classification: Uncertain significance for Hypertrophic cardiomyopathy 14. Last evaluated: 2025-01-29. Review status: criteria provided, single submitter. Criteria: Invitae Variant Classification Sherloc (09022015). Collection method: clinical testing. Allele origin: germline.
Comment: This sequence change replaces threonine, which is neutral and polar, with asparagine, which is neutral and polar, at codon 627 of the MYH6 protein (p.Thr627Asn). This variant is present in population databases (no rsID available, gnomAD 0.03%). This variant has not been reported in the literature in individuals affected with MYH6-related conditions. ClinVar contains an entry for this variant (Variation ID: 2902185). Invitae Evidence Modeling of protein sequence and biophysical properties (such as structural, functional, and spatial information, amino acid conservation, physicochemical variation, residue mobility, and thermodynamic stability) indicates that this missense variant is not expected to disrupt MYH6 protein function with a negative predictive value of 80%. In summary, the available evidence is currently insufficient to determine the role of this variant in disease. Therefore, it has been classified as a Variant of Uncertain Significance.

NM_002471.4(MYH6):c.1880C>A (p.Thr627Asn)

Gene: MYH6 (myosin heavy chain 6; minus strand). Cytogenetic location: 14q11.2.
Variant type: single nucleotide variant.
Coding change: c.1880C>A on transcript NM_002471.4 (MANE Select); coding-DNA position 1880, C replaced by A.
Protein change: p.Thr627Asn; replaces threonine 627 with asparagine.
Molecular consequence: missense variant.
Genome position (GRCh38, 1-based): chr14:23,398,739, G>T on the plus strand (C>A on the coding strand, the complement: MYH6 is on the minus strand). VCF-style: chr14-23398739-G-T. GRCh37 (hg19) VCF-style: chr14-23867948-G-T.
Other names: short protein forms T627N.
Identifiers: ClinVar variation 2902185 (VCV002902185.3), dbSNP rs1356322780, ClinGen allele CA389019829.
Genomic context (GRCh38, chr14:23,398,739, plus strand): 5'-TTTGTGTCTTCAGAAGTCCCCTGGCCCAGTGCAGGGGCTGCCTGCTTACCAGTATCGGCA[G>T]TTGCGTAGGAGGAGAAGAGAGTGGCCATGAGCTTGAGGGAGGACTTCTGGTACAGGGCCA-3'
Protein context (NP_002462.2, residues 617-637): LMATLFSSYA[Thr627Asn]ADTGDSGKSK